The following is an entry in ClinVar:

ClinVar aggregate classification (germline): Likely benign. Review status: criteria provided, multiple submitters, no conflicts (2 of 4 stars). 6 submissions from 6 submitters: Likely benign (6). Last evaluated 2026-02-02.

Conditions:
Inherited glutathione synthetase deficiency. Identifiers: Orphanet 32, MedGen C5979912, MONDO:0017909.
Glutathione synthetase deficiency with 5-oxoprolinuria. Also called: 5-OXOPROLINURIA DUE TO GLUTATHIONE SYNTHETASE DEFICIENCY; Reduced glutathione synthetase level; PYROGLUTAMIC ACIDURIA; 5-Oxoprolinuria; Gluthathione synthetase deficiency. Identifiers: Orphanet 289846, MedGen C0398746, MONDO:0009947, OMIM 266130, HP:0003343.

Allele frequency attached by ClinVar (database versions not stated): 1000 Genomes Project 30x 0.00187; gnomAD 0.00189 and 0.00186; 1000 Genomes Project 0.00200; ExAC 0.00200; ESP Exome Variant Server 0.00215; gnomAD exomes 0.00250 and 0.00182; TOPMed 0.00177.
gnomAD v4.1: 3,896 of 1,604,654 alleles (0.24%); highest among the groups gnomAD compares: Non-Finnish European, 0.3%; 3 homozygotes.

Submissions (12):

Labcorp Genetics (formerly Invitae), Labcorp
Classification: Likely benign for Glutathione synthetase deficiency with 5-oxoprolinuria. Last evaluated: 2026-02-02. Review status: criteria provided, single submitter. Criteria: Invitae Variant Classification Sherloc (09022015). Collection method: clinical testing. Allele origin: germline.

ARUP Laboratories, Molecular Genetics and Genomics, ARUP Laboratories
Classification: Likely benign. Last evaluated: 2025-02-26. Review status: criteria provided, single submitter. Criteria: ARUP Molecular Germline Variant Investigation Process 2024. Collection method: clinical testing. Allele origin: germline.

Blueprint Genetics
Classification: Likely benign. Last evaluated: 2024-11-25. Review status: criteria provided, single submitter. Criteria: ACMG Guidelines, 2015. Collection method: clinical testing. Allele origin: germline.

Mayo Clinic Laboratories, Mayo Clinic
Classification: Likely benign. Last evaluated: 2024-11-12. Review status: criteria provided, single submitter. Criteria: ACMG Guidelines, 2015. Collection method: clinical testing. Allele origin: germline. Observed: 5 variant alleles.
Comment: BP4, BP7

Illumina Laboratory Services, Illumina
Classification: Likely benign for Glutathione synthetase deficiency with 5-oxoprolinuria. Last evaluated: 2018-01-13. Review status: criteria provided, single submitter. Criteria: ICSL Variant Classification Criteria 13 December 2019. Collection method: clinical testing. Allele origin: germline.
Comment: This variant was observed in the ICSL laboratory as part of a predisposition screen in an ostensibly healthy population. It had not been previously curated by ICSL or reported in the Human Gene Mutation Database (HGMD: prior to June 1st, 2018), and was therefore a candidate for classification through an automated scoring system. Utilizing variant allele frequency, disease prevalence and penetrance estimates, and inheritance mode, an automated score was calculated to assess if this variant is too frequent to cause the disease. Based on the score and internal cut-off values, a variant classified as likely benign is not then subjected to further curation. The score for this variant resulted in a classification of likely benign for this disease.

GeneDx
Classification: Likely benign. Last evaluated: 2017-08-23. Review status: criteria provided, single submitter. Criteria: GeneDx Variant Classification (06012015). Collection method: clinical testing. Allele origin: germline. Affected: yes.
Comment: This variant is considered likely benign or benign based on one or more of the following criteria: it is a conservative change, it occurs at a poorly conserved position in the protein, it is predicted to be benign by multiple in silico algorithms, and/or has population frequency not consistent with disease.

Dr. Peter K. Rogan Lab, Western University
No classification provided (evidence only). Condition: Melanoma. Review status: no classification provided. Collection method: in vitro. Allele origin: not applicable. Functional consequence: retained intron. Not counted in ClinVar's aggregate classification.

Dr. Peter K. Rogan Lab, Western University
No classification provided (evidence only). Condition: Familial cancer of breast. Review status: no classification provided. Collection method: in vitro. Allele origin: not applicable. Functional consequence: retained intron. Not counted in ClinVar's aggregate classification.

Dr. Peter K. Rogan Lab, Western University
No classification provided (evidence only). Condition: Familial cancer of breast. Review status: no classification provided. Collection method: in vitro. Allele origin: not applicable. Functional consequence: retained intron. Not counted in ClinVar's aggregate classification.

Dr. Peter K. Rogan Lab, Western University
No classification provided (evidence only). Condition: Colorectal cancer. Review status: no classification provided. Collection method: in vitro. Allele origin: not applicable. Functional consequence: retained intron. Not counted in ClinVar's aggregate classification.

Dr. Peter K. Rogan Lab, Western University
No classification provided (evidence only). Condition: Cervical cancer. Review status: no classification provided. Collection method: in vitro. Allele origin: not applicable. Functional consequence: retained intron. Not counted in ClinVar's aggregate classification.

Dr. Peter K. Rogan Lab, Western University
No classification provided (evidence only). Condition: Adrenocortical carcinoma, hereditary. Review status: no classification provided. Collection method: in vitro. Allele origin: not applicable. Functional consequence: retained intron. Not counted in ClinVar's aggregate classification.

NM_000178.4(GSS):c.768-3C>T

Gene: GSS (glutathione synthetase; minus strand). Cytogenetic location: 20q11.22.
Variant type: single nucleotide variant.
Coding change: c.768-3C>T on transcript NM_000178.4 (MANE Select); 3 bases into the intron before coding-DNA position 768, C replaced by T.
Molecular consequence: intron variant.
Genome position (GRCh38, 1-based): chr20:34,935,645, G>A on the plus strand (C>T on the coding strand, the complement: GSS is on the minus strand). VCF-style: chr20-34935645-G-A. GRCh37 (hg19) VCF-style: chr20-33523448-G-A.
Other names: p.?; c.768-3C>T (LRG_1168t1, NM_001322494.1, NM_001322495.1).
Identifiers: ClinVar variation 338300 (VCV000338300.61), dbSNP rs184506175, ClinGen allele CA9825959.